The following is an entry in ClinVar:

ClinVar aggregate classification (germline): Benign. Review status: criteria provided, single submitter (1 of 4 stars). 2 submissions from 2 submitters: Benign (1). 1 of the submissions does not count toward it. Last evaluated 2021-11-02.

Conditions:
H6PD-related disorder. Also called: H6PD-related condition.

Allele frequency attached by ClinVar (database versions not stated): ESP Exome Variant Server 0.00023; TOPMed 0.00041; gnomAD 0.00056 and 0.00063; ExAC 0.00067; 1000 Genomes Project 30x 0.00109; 1000 Genomes Project 0.00140.
gnomAD v4.1: 820 of 1,614,158 alleles (0.051%); highest among the groups gnomAD compares: East Asian, 0.67%; 1 homozygote.

Submissions (2):

Labcorp Genetics (formerly Invitae), Labcorp
Classification: Benign. Last evaluated: 2021-11-02. Review status: criteria provided, single submitter. Criteria: Invitae Variant Classification Sherloc (09022015). Collection method: clinical testing. Allele origin: germline.

PreventionGenetics, part of Exact Sciences
Classification: Likely benign for H6PD-related condition. Last evaluated: 2019-06-18. Review status: no assertion criteria provided. Collection method: clinical testing. Allele origin: germline. Not counted in ClinVar's aggregate classification.
Comment: This variant is classified as likely benign based on ACMG/AMP sequence variant interpretation guidelines (Richards et al. 2015 PMID: 25741868, with internal and published modifications).

NM_004285.4(H6PD):c.1164G>A (p.Ala388=)

Gene: H6PD (hexose-6-phosphate dehydrogenase/glucose 1-dehydrogenase; plus strand). Cytogenetic location: 1p36.22.
Variant type: single nucleotide variant.
Coding change: c.1164G>A on transcript NM_004285.4 (MANE Select); coding-DNA position 1164, G replaced by A.
Protein change: p.Ala388=; no amino-acid change (alanine 388 retained).
Molecular consequence: synonymous variant.
Genome position (GRCh38, 1-based): chr1:9,263,657, G>A. VCF-style: chr1-9263657-G-A. GRCh37 (hg19) VCF-style: chr1-9323716-G-A.
Other names: c.1197G>A, p.Ala399= (NM_001282587.2); c.1164G>A (NM_004285.3).
Identifiers: ClinVar variation 1534986 (VCV001534986.10), dbSNP rs139280233, ClinGen allele CA575222.